The following is an entry in ClinVar:

ClinVar aggregate classification (germline): Uncertain significance (1 of 4 stars; one submission).

Conditions:
Hypertrophic cardiomyopathy 10. Also called: CARDIOMYOPATHY, HYPERTROPHIC, MID-LEFT VENTRICULAR CHAMBER TYPE, 2; MYL2-Related Familial Hypertrophic Cardiomyopathy. Identifiers: MedGen C1834460, MONDO:0012112, OMIM 608758.

Submission:

Labcorp Genetics (formerly Invitae), Labcorp
Classification: Uncertain significance for Hypertrophic cardiomyopathy 10. Last evaluated: 2024-12-04. Review status: criteria provided, single submitter. Criteria: Invitae Variant Classification Sherloc (09022015). Collection method: clinical testing. Allele origin: germline.
Comment: This sequence change falls in intron 1 of the MYL2 gene. It does not directly change the encoded amino acid sequence of the MYL2 protein. It affects a nucleotide within the consensus splice site. This variant is not present in population databases (gnomAD no frequency). This variant has not been reported in the literature in individuals affected with MYL2-related conditions. Variants that disrupt the consensus splice site are a relatively common cause of aberrant splicing (PMID: 17576681, 9536098). Algorithms developed to predict the effect of sequence changes on RNA splicing suggest that this variant is not likely to affect RNA splicing. In summary, the available evidence is currently insufficient to determine the role of this variant in disease. Therefore, it has been classified as a Variant of Uncertain Significance.

Literature cited by the submitters: PubMed 17576681; PubMed 9536098.

NM_000432.4(MYL2):c.3+3_3+6del

Genes: MYL2 (myosin light chain 2; minus strand), LOC114827850 (VISTA enhancer hs2149; plus strand). Cytogenetic location: 12q24.11.
Variant type: Deletion.
Coding change: c.3+3_3+6del on transcript NM_000432.4 (MANE Select); bases 3 to 6 of the intron after coding-DNA position 3, 4 bases deleted (GAGT; older notation c.3+3_3+6delGAGT).
Molecular consequence: splice donor variant. On other transcripts: intron variant (1).
Genome position (GRCh38, 1-based): chr12:110,920,521-110,920,524, ACTC deleted on the plus strand (GAGT on the coding strand, the reverse complement: MYL2 is on the minus strand); deleting any 4 consecutive bases within chr12:110,920,521-110,920,526 gives the same sequence; the c. name uses the placement nearest the transcript's 3' end. VCF-style (leftmost placement, unchanged base first): chr12-110920520-TACTC-T. GRCh37 (hg19) VCF-style: chr12-111358324-TACTC-T.
Other names: c.-55+865_-55+868del (NM_001406916.1); c.3+3_3+6del (NM_001406745.1).
Identifiers: ClinVar variation 3721924 (VCV003721924.2).